The following is an entry in ClinVar:

ClinVar aggregate classification (germline): Uncertain significance. Review status: criteria provided, multiple submitters, no conflicts (2 of 4 stars). 2 submissions from 2 submitters: Uncertain significance (2). Last evaluated 2023-07-19.

Conditions:
Diets-Jongmans syndrome. Also called: INTELLECTUAL DEVELOPMENTAL DISORDER WITH DISTINCTIVE FACIAL DYSMORPHISM. Identifiers: MedGen C5394263, MONDO:0030012, OMIM 618846.

Allele frequency attached by ClinVar (database versions not stated): gnomAD exomes below 0.00001; TOPMed below 0.00001.
gnomAD v4.1: 3 of 1,593,996 alleles (0.00019%); highest among the groups gnomAD compares: Admixed American, 0.0017%; no homozygotes.

Submissions (2):

GeneDx
Classification: Uncertain significance. Last evaluated: 2023-07-19. Review status: criteria provided, single submitter. Criteria: GeneDx Variant Classification Process June 2021. Collection method: clinical testing. Allele origin: germline. Affected: yes.
Comment: Not observed at significant frequency in large population cohorts (gnomAD); In silico analysis supports that this missense variant does not alter protein structure/function; Has not been previously published as pathogenic or benign to our knowledge

Institute of Human Genetics, University of Goettingen
Classification: Uncertain significance for Diets-Jongmans syndrome. Last evaluated: 2022-05-05. Review status: criteria provided, single submitter. Criteria: ACMG Guidelines, 2015. Collection method: clinical testing. Allele origin: maternal. Inheritance: Autosomal dominant inheritance. Affected: yes. Observed: 1 heterozygote.
Comment: For the following reasons, we consider the KDM3B sequence variant found as a "variant of uncertain significance". (VUS): 1. a comparison with the gnomAD browser did not provide evidence that this sequence change is a norm variant detectable also in non-affected individuals. The variant is currently not listed in ClinVar or the HGMD database [PM2]; 2. the molecular diagnosis matches some of the patients' clinical symptoms; 3. the variant is independently classified as pathogen by the majority (11 of 19) of prediction programs [PP3]; 4. the following ACMG criteria were applied for classification: PM2, PP3.

NM_016604.4(KDM3B):c.368C>T (p.Thr123Ile)

Gene: KDM3B (lysine demethylase 3B; plus strand). Cytogenetic location: 5q31.2.
Variant type: single nucleotide variant.
Coding change: c.368C>T on transcript NM_016604.4 (MANE Select); coding-DNA position 368, C replaced by T.
Protein change: p.Thr123Ile; replaces threonine 123 with isoleucine.
Molecular consequence: missense variant.
Genome position (GRCh38, 1-based): chr5:138,375,100, C>T. VCF-style: chr5-138375100-C-T. GRCh37 (hg19) VCF-style: chr5-137710789-C-T.
Other names: c.368C>T (NM_016604.3); short protein forms T123I.
Identifiers: ClinVar variation 1708472 (VCV001708472.3), dbSNP rs1761964120, ClinGen allele CA361095646.
Genomic context (GRCh38, chr5:138,375,100, plus strand): 5'-GCTGTTTTTTTATTCCCAAGTTCTAATCAATTTCTTGTCATTGTACTTCACAGACTTTTA[C>T]TCCCCTTGTAGATAAACTGGGTTTGGGTTCTGTGGTTCCAGTGGAATATCTTCTGGATCG-3'
Protein context (NP_057688.3, residues 113-133): SIAQWPALTF[Thr123Ile]PLVDKLGLGS